The following is an entry in ClinVar:

NM_014633.5(CTR9):c.1427C>T (p.Ala476Val)

Genes: CTR9 (CTR9 component of Paf1/RNA polymerase II complex; plus strand), LOC126861140 (CDK7 strongly-dependent group 2 enhancer GRCh37_chr11:10785333-10786532; plus strand). Cytogenetic location: 11p15.4.
Variant type: single nucleotide variant.
Coding change: c.1427C>T on transcript NM_014633.5 (MANE Select); coding-DNA position 1427, C replaced by T.
Protein change: p.Ala476Val; replaces alanine 476 with valine.
Molecular consequence: missense variant.
Genome position (GRCh38, 1-based): chr11:10,764,561, C>T. VCF-style: chr11-10764561-C-T. GRCh37 (hg19) VCF-style: chr11-10786108-C-T.
Other names: c.1427C>T, p.Ala476Val (NM_001346279.2); short protein forms A476V.
Identifiers: ClinVar variation 1381912 (VCV001381912.9), dbSNP rs760130762, ClinGen allele CA5885103.

ClinVar aggregate classification (germline): Conflicting classifications of pathogenicity. Review status: criteria provided, conflicting classifications (1 of 4 stars). 2 submissions from 2 submitters: Uncertain significance (1); Likely benign (1). Last evaluated 2026-09-01.

Allele frequency attached by ClinVar (database versions not stated): gnomAD exomes 0.00001 and 0.00003; ExAC 0.00003; TOPMed 0.00003.
gnomAD v4.1: 19 of 1,602,922 alleles (0.0012%); highest among the groups gnomAD compares: Admixed American, 0.017%; no homozygotes.

Submissions (2):

CeGaT Center for Human Genetics Tuebingen
Classification: Likely benign. Last evaluated: 2026-09-01. Review status: criteria provided, single submitter. Criteria: CeGaT Center For Human Genetics Tuebingen Variant Classification Criteria Version 2. Collection method: clinical testing. Allele origin: germline. Affected: yes. Observed: 1 variant allele.
Comment: CTR9: PP3, BS2

Labcorp Genetics (formerly Invitae), Labcorp
Classification: Uncertain significance. Last evaluated: 2025-02-04. Review status: criteria provided, single submitter. Criteria: Invitae Variant Classification Sherloc (09022015). Collection method: clinical testing. Allele origin: germline.
Comment: This sequence change replaces alanine, which is neutral and non-polar, with valine, which is neutral and non-polar, at codon 476 of the CTR9 protein (p.Ala476Val). The frequency data for this variant in the population databases is considered unreliable, as metrics indicate poor data quality at this position in the gnomAD database. This variant has not been reported in the literature in individuals affected with CTR9-related conditions. ClinVar contains an entry for this variant (Variation ID: 1381912). An algorithm developed to predict the effect of missense changes on protein structure and function (PolyPhen-2) suggests that this variant is likely to be tolerated. In summary, the available evidence is currently insufficient to determine the role of this variant in disease. Therefore, it has been classified as a Variant of Uncertain Significance.